The following is an entry in ClinVar:

ClinVar aggregate classification (germline): Uncertain significance (1 of 4 stars; one submission).

Conditions:
Kabuki syndrome. Also called: NIIKAWA-KUROKI SYNDROME; Kabuki make-up syndrome. Identifiers: Orphanet 2322, MedGen C0796004, MONDO:0016512.

Submission:

Labcorp Genetics (formerly Invitae), Labcorp
Classification: Uncertain significance for Kabuki syndrome. Last evaluated: 2022-03-10. Review status: criteria provided, single submitter. Criteria: Invitae Variant Classification Sherloc (09022015). Collection method: clinical testing. Allele origin: germline.
Comment: Advanced modeling of protein sequence and biophysical properties (such as structural, functional, and spatial information, amino acid conservation, physicochemical variation, residue mobility, and thermodynamic stability) performed at Invitae indicates that this missense variant is not expected to disrupt KMT2D protein function. This variant has not been reported in the literature in individuals affected with KMT2D-related conditions. In summary, the available evidence is currently insufficient to determine the role of this variant in disease. Therefore, it has been classified as a Variant of Uncertain Significance. This sequence change replaces arginine, which is basic and polar, with proline, which is neutral and non-polar, at codon 598 of the KMT2D protein (p.Arg598Pro). This variant is not present in population databases (gnomAD no frequency).

NM_003482.4(KMT2D):c.1793G>C (p.Arg598Pro)

Gene: KMT2D (lysine methyltransferase 2D; minus strand). Cytogenetic location: 12q13.12.
Variant type: single nucleotide variant.
Coding change: c.1793G>C on transcript NM_003482.4 (MANE Select); coding-DNA position 1793, G replaced by C.
Protein change: p.Arg598Pro; replaces arginine 598 with proline.
Molecular consequence: missense variant.
Genome position (GRCh38, 1-based): chr12:49,051,890, C>G on the plus strand (G>C on the coding strand, the complement: KMT2D is on the minus strand). VCF-style: chr12-49051890-C-G. GRCh37 (hg19) VCF-style: chr12-49445673-C-G.
Other names: short protein forms R598P.
Identifiers: ClinVar variation 2108351 (VCV002108351.4), dbSNP rs377761041, ClinGen allele CA384672978.